The following is an entry in ClinVar:

NM_015662.3(IFT172):c.729C>T (p.Phe243=)

Gene: IFT172 (intraflagellar transport 172; minus strand). Cytogenetic location: 2p23.3.
Variant type: single nucleotide variant.
Coding change: c.729C>T on transcript NM_015662.3 (MANE Select); coding-DNA position 729, C replaced by T.
Protein change: p.Phe243=; no amino-acid change (phenylalanine 243 retained).
Molecular consequence: synonymous variant.
Genome position (GRCh38, 1-based): chr2:27,481,102, G>A on the plus strand (C>T on the coding strand, the complement: IFT172 is on the minus strand). VCF-style: chr2-27481102-G-A. GRCh37 (hg19) VCF-style: chr2-27703969-G-A.
Other names: c.729C>T, p.Phe243= (NM_001410739.1); c.729C>T (NM_015662.2).
Identifiers: ClinVar variation 2937464 (VCV002937464.4), dbSNP rs2466008842, ClinGen allele CA425414133.

ClinVar aggregate classification (germline): Likely benign. Review status: criteria provided, single submitter (1 of 4 stars). 2 submissions from 2 submitters: Likely benign (1). 1 of the submissions does not count toward it. Last evaluated 2022-12-30.

Conditions:
IFT172-related disorder. Also called: IFT172-related condition; IFT172-related disorders.
Retinitis pigmentosa 71 (RP71). Identifiers: Orphanet 791, MedGen C4225342, MONDO:0014618, OMIM 616394.
Short-rib thoracic dysplasia 10 with or without polydactyly (SRTD10). Identifiers: Orphanet 474, MedGen C3810175, MONDO:0014284, OMIM 615630.

Submissions (2):

Labcorp Genetics (formerly Invitae), Labcorp
Classification: Likely benign for Retinitis pigmentosa 71; Short-rib thoracic dysplasia 10 with or without polydactyly. Last evaluated: 2022-12-30. Review status: criteria provided, single submitter. Criteria: Invitae Variant Classification Sherloc (09022015). Collection method: clinical testing. Allele origin: germline.

PreventionGenetics, part of Exact Sciences
Classification: Likely benign for IFT172-related condition. Last evaluated: 2020-07-14. Review status: no assertion criteria provided. Collection method: clinical testing. Allele origin: germline. Not counted in ClinVar's aggregate classification.
Comment: This variant is classified as likely benign based on ACMG/AMP sequence variant interpretation guidelines (Richards et al. 2015 PMID: 25741868, with internal and published modifications).